The following is an entry in ClinVar:

ClinVar aggregate classification (germline): Uncertain significance. Review status: criteria provided, multiple submitters, no conflicts (2 of 4 stars). 3 submissions from 3 submitters: Uncertain significance (3). Last evaluated 2026-03-17.

Conditions:
Hereditary cancer-predisposing syndrome. Also called: Tumor predisposition; Hereditary neoplastic syndrome; Neoplastic Syndromes, Hereditary; Hereditary Cancer Syndrome. Identifiers: Orphanet 140162, MedGen C0027672, MeSH D009386, MONDO:0015356.
Ataxia-telangiectasia syndrome (AT). Also called: Ataxia-telangiectasia, complementation group E; Ataxia-telangiectasia, complementation group D; LOUIS-BAR SYNDROME; AT, COMPLEMENTATION GROUP C; Cerebello-oculocutaneous telangiectasia; Immunodeficiency with ataxia telangiectasia. Identifiers: Orphanet 100, MedGen C0004135, MONDO:0008840, OMIM 208900.

Submissions (3):

Ambry Genetics
Classification: Uncertain significance for Hereditary cancer-predisposing syndrome. Last evaluated: 2026-03-17. Review status: criteria provided, single submitter. Criteria: Ambry Variant Classification Scheme 2023. Collection method: clinical testing. Allele origin: germline.

Labcorp Genetics (formerly Invitae), Labcorp
Classification: Uncertain significance for Ataxia-telangiectasia syndrome. Last evaluated: 2025-11-20. Review status: criteria provided, single submitter. Criteria: Invitae Variant Classification Sherloc (09022015). Collection method: clinical testing. Allele origin: germline.
Comment: This sequence change replaces glutamine, which is neutral and polar, with leucine, which is neutral and non-polar, at codon 876 of the ATM protein (p.Gln876Leu). This variant is not present in population databases (gnomAD no frequency). This variant has not been reported in the literature in individuals affected with ATM-related conditions. ClinVar contains an entry for this variant (Variation ID: 2774343). Invitae Evidence Modeling of protein sequence and biophysical properties (such as structural, functional, and spatial information, amino acid conservation, physicochemical variation, residue mobility, and thermodynamic stability) indicates that this missense variant is not expected to disrupt ATM protein function with a negative predictive value of 95%. In summary, the available evidence is currently insufficient to determine the role of this variant in disease. Therefore, it has been classified as a Variant of Uncertain Significance.

Color Diagnostics, LLC DBA Color Health
Classification: Uncertain significance for Hereditary cancer-predisposing syndrome. Last evaluated: 2024-03-06. Review status: criteria provided, single submitter. Criteria: ACMG Guidelines, 2015. Collection method: clinical testing. Allele origin: germline.
Comment: This missense variant replaces glutamine with leucine at codon 876 of the ATM protein. Computational prediction suggests that this variant may not impact protein structure and function (internally defined REVEL score threshold <= 0.5, PMID: 27666373). To our knowledge, functional studies have not been reported for this variant. This variant has not been reported in individuals affected with hereditary cancer in the literature. This variant has not been identified in the general population by the Genome Aggregation Database (gnomAD). The available evidence is insufficient to determine the role of this variant in disease conclusively. Therefore, this variant is classified as a Variant of Uncertain Significance.

NM_000051.4(ATM):c.2627A>T (p.Gln876Leu)

Gene: ATM (ATM serine/threonine kinase; plus strand). Cytogenetic location: 11q22.3.
Variant type: single nucleotide variant.
Coding change: c.2627A>T on transcript NM_000051.4 (MANE Select); coding-DNA position 2627, A replaced by T.
Protein change: p.Gln876Leu; replaces glutamine 876 with leucine.
Molecular consequence: missense variant.
Genome position (GRCh38, 1-based): chr11:108,267,331, A>T. VCF-style: chr11-108267331-A-T. GRCh37 (hg19) VCF-style: chr11-108138058-A-T.
Other names: c.2627A>T, p.Gln876Leu (NM_001351834.2); short protein forms Q876L.
Identifiers: ClinVar variation 2774343 (VCV002774343.4), dbSNP rs1555082348, ClinGen allele CA382544298.